The following is an entry in ClinVar:

NM_000481.4(AMT):c.503G>C (p.Arg168Thr)

Gene: AMT (aminomethyltransferase; minus strand). Cytogenetic location: 3p21.31.
Variant type: single nucleotide variant.
Coding change: c.503G>C on transcript NM_000481.4 (MANE Select); coding-DNA position 503, G replaced by C.
Protein change: p.Arg168Thr; replaces arginine 168 with threonine.
Molecular consequence: missense variant. On other transcripts: non-coding transcript variant (1).
Genome position (GRCh38, 1-based): chr3:49,419,757, C>G on the plus strand (G>C on the coding strand, the complement: AMT is on the minus strand). VCF-style: chr3-49419757-C-G. GRCh37 (hg19) VCF-style: chr3-49457190-C-G.
Other names: c.371G>C, p.Arg124Thr (NM_001164710.2); c.335G>C, p.Arg112Thr (NM_001164711.2); c.503G>C, p.Arg168Thr (NM_001164712.2); short protein forms R168T, R124T, R112T.
Identifiers: ClinVar variation 346033 (VCV000346033.9), dbSNP rs200058579, ClinGen allele CA2398341.

ClinVar aggregate classification (germline): Uncertain significance. Review status: criteria provided, multiple submitters, no conflicts (2 of 4 stars). 2 submissions from 2 submitters: Uncertain significance (2). Last evaluated 2021-09-17.

Conditions:
Glycine encephalopathy. Also called: Nonketotic hyperglycinemia; Non-ketotic hyperglycinemia. Identifiers: Orphanet 407, MedGen C0751748, MONDO:0011612, HP:0008288.

Allele frequency attached by ClinVar (database versions not stated): ExAC 0.00001; gnomAD exomes 0.00001; TOPMed 0.00001; gnomAD 0.00002 and 0.00003; ESP Exome Variant Server 0.00008; 1000 Genomes Project 30x 0.00016; 1000 Genomes Project 0.00020.
gnomAD v4.1: 16 of 1,614,176 alleles (0.00099%); highest among the groups gnomAD compares: Admixed American, 0.0017%; no homozygotes.

Submissions (2):

Labcorp Genetics (formerly Invitae), Labcorp
Classification: Uncertain significance for Glycine encephalopathy. Last evaluated: 2021-09-17. Review status: criteria provided, single submitter. Criteria: Invitae Variant Classification Sherloc (09022015). Collection method: clinical testing. Allele origin: germline.
Comment: This sequence change replaces arginine with threonine at codon 168 of the AMT protein (p.Arg168Thr). The arginine residue is weakly conserved and there is a moderate physicochemical difference between arginine and threonine. This variant is present in population databases (rs200058579, ExAC 0.001%). This variant has not been reported in the literature in individuals with AMT-related conditions. ClinVar contains an entry for this variant (Variation ID: 346033). Algorithms developed to predict the effect of missense changes on protein structure and function (SIFT, PolyPhen-2, Align-GVGD) all suggest that this variant is likely to be tolerated, but these predictions have not been confirmed by published functional studies and their clinical significance is uncertain. In summary, the available evidence is currently insufficient to determine the role of this variant in disease. Therefore, it has been classified as a Variant of Uncertain Significance.

Illumina Laboratory Services, Illumina
Classification: Uncertain significance for Glycine encephalopathy 1. Last evaluated: 2018-01-13. Review status: criteria provided, single submitter. Criteria: ICSL Variant Classification Criteria 13 December 2019. Collection method: clinical testing. Allele origin: germline.